The following is an entry in ClinVar:

ClinVar aggregate classification (germline): Uncertain significance. Review status: criteria provided, multiple submitters, no conflicts (2 of 4 stars). 2 submissions from 2 submitters: Uncertain significance (2). Last evaluated 2025-02-16.

Conditions:
Hereditary cancer-predisposing syndrome. Also called: Hereditary Cancer Syndrome; Neoplastic Syndromes, Hereditary; Tumor predisposition; Hereditary neoplastic syndrome. Identifiers: Orphanet 140162, MedGen C0027672, MeSH D009386, MONDO:0015356.
Hereditary breast ovarian cancer syndrome. Also called: Hereditary breast and ovarian cancer syndrome; Hereditary breast and ovarian cancer; Hereditary breast and ovarian cancer syndrome (HBOC); Breast and ovarian cancer; Hereditary breast and/or ovarian cancer syndrome; BRCA1- and BRCA2-Associated Hereditary Breast and Ovarian Cancer. Identifiers: Orphanet 145, MedGen C0677776, MeSH D061325, MONDO:0003582. Disease mechanism: loss of function.

Allele frequency attached by ClinVar (database versions not stated): gnomAD exomes below 0.00001; ExAC 0.00001.
gnomAD v4.1: 1 of 1,614,220 alleles (0.000062%); highest among the groups gnomAD compares: Non-Finnish European, 0.000085%; no homozygotes.

Submissions (2):

Ambry Genetics
Classification: Uncertain significance for Hereditary cancer-predisposing syndrome. Last evaluated: 2025-02-16. Review status: criteria provided, single submitter. Criteria: Ambry Variant Classification Scheme 2023. Collection method: clinical testing. Allele origin: germline.
Comment: The p.K1601Q variant (also known as c.4801A>C), located in coding exon 14 of the BRCA1 gene, results from an A to C substitution at nucleotide position 4801. The lysine at codon 1601 is replaced by glutamine, an amino acid with similar properties. This amino acid position is well conserved in available vertebrate species. In addition, the in silico prediction for this alteration is inconclusive. Since supporting evidence is limited at this time, the clinical significance of this alteration remains unclear.

Labcorp Genetics (formerly Invitae), Labcorp
Classification: Uncertain significance for Hereditary breast ovarian cancer syndrome. Last evaluated: 2021-08-03. Review status: criteria provided, single submitter. Criteria: Invitae Variant Classification Sherloc (09022015). Collection method: clinical testing. Allele origin: germline.
Comment: In summary, the available evidence is currently insufficient to determine the role of this variant in disease. Therefore, it has been classified as a Variant of Uncertain Significance. Algorithms developed to predict the effect of missense changes on protein structure and function are either unavailable or do not agree on the potential impact of this missense change (SIFT: "Tolerated"; PolyPhen-2: "Possibly Damaging"; Align-GVGD: "Class C0"). This variant has not been reported in the literature in individuals with BRCA1-related disease. ClinVar contains an entry for this variant (Variation ID: 481187). This variant is present in population databases (rs80357303, ExAC 0.001%). This sequence change replaces lysine with glutamine at codon 1601 of the BRCA1 protein (p.Lys1601Gln). The lysine residue is moderately conserved and there is a small physicochemical difference between lysine and glutamine.

NM_007294.4(BRCA1):c.4801A>C (p.Lys1601Gln)

Gene: BRCA1 (BRCA1 DNA repair associated; minus strand). Cytogenetic location: 17q21.31.
Variant type: single nucleotide variant.
Coding change: c.4801A>C on transcript NM_007294.4 (MANE Select); coding-DNA position 4801, A replaced by C.
Protein change: p.Lys1601Gln; replaces lysine 1601 with glutamine.
Molecular consequence: missense variant. On other transcripts: non-coding transcript variant (1).
Genome position (GRCh38, 1-based): chr17:43,071,113, T>G on the plus strand (A>C on the coding strand, the complement: BRCA1 is on the minus strand). VCF-style: chr17-43071113-T-G. GRCh37 (hg19) VCF-style: chr17-41223130-T-G.
Other names: c.4588A>C, p.Lys1530Gln (NM_001407571.1, NM_001407894.1, NM_001407895.1 and 12 more transcripts); c.4867A>C, p.Lys1623Gln (NM_001407581.1, NM_001407582.1); c.4864A>C, p.Lys1622Gln (NM_001407583.1, NM_001407585.1, NM_001407587.1 and 1 more transcripts); c.4861A>C, p.Lys1621Gln (NM_001407590.1, NM_001407591.1); c.4801A>C, p.Lys1601Gln (NM_001407593.1, NM_001407594.1, NM_001407596.1 and 8 more transcripts); c.4798A>C, p.Lys1600Gln (NM_001407610.1, NM_001407611.1, NM_001407612.1 and 17 more transcripts); c.4795A>C, p.Lys1599Gln (NM_001407627.1, NM_001407628.1, NM_001407629.1 and 14 more transcripts); c.4792A>C, p.Lys1598Gln (NM_001407644.1, NM_001407645.1); and 70 more; short protein forms K1601Q, K1554Q, K497Q, K1622Q, K1432Q, K1447Q, K1472Q, K1488Q.
Identifiers: ClinVar variation 481187 (VCV000481187.15), dbSNP rs80357303, ClinGen allele CA053263.